The following is an entry in ClinVar:

ClinVar aggregate classification (germline): Pathogenic/Likely pathogenic. Review status: criteria provided, multiple submitters, no conflicts (2 of 4 stars). 3 submissions from 3 submitters: Pathogenic (1); Likely pathogenic (2). Last evaluated 2025-08-06.

Conditions:
Autosomal recessive polycystic kidney disease (ARPKD). Also called: AR polycystic kidney disease. Identifiers: Orphanet 731, Orphanet 8378, MedGen C0085548, MeSH D017044, MONDO:0009889.

Allele frequency attached by ClinVar (database versions not stated): TOPMed 0.00001.
gnomAD v4.1: 1 of 1,613,432 alleles (0.000062%); highest among the groups gnomAD compares: African/African-American, 0.0013%; no homozygotes.

Submissions (3):

Natera, Inc.
Classification: Likely pathogenic for Autosomal recessive polycystic kidney disease. Last evaluated: 2025-08-06. Review status: criteria provided, single submitter. Criteria: Natera Variant Classification Schema (03/2026). Collection method: clinical testing. Allele origin: germline.
Comment: The c.10350C>A variant in PKHD1 is a nonsense variant predicted to introduce a stop codon at amino acid 3450. This variant is expected to result in nonsense mediated decay, truncation, or a dysfunctional protein product. This variant is rare in the general population with a frequency below the threshold expected for the associated phenotype(s). Given the available evidence, this variant is classified as Likely Pathogenic.

Labcorp Genetics (formerly Invitae), Labcorp
Classification: Pathogenic for Autosomal recessive polycystic kidney disease. Last evaluated: 2022-11-29. Review status: criteria provided, single submitter. Criteria: Invitae Variant Classification Sherloc (09022015). Collection method: clinical testing. Allele origin: germline.
Comment: For these reasons, this variant has been classified as Pathogenic. ClinVar contains an entry for this variant (Variation ID: 633355). This variant has not been reported in the literature in individuals affected with PKHD1-related conditions. This variant is not present in population databases (gnomAD no frequency). This sequence change creates a premature translational stop signal (p.Cys3450*) in the PKHD1 gene. It is expected to result in an absent or disrupted protein product. Loss-of-function variants in PKHD1 are known to be pathogenic (PMID: 19940839).

Women's Health and Genetics/Laboratory Corporation of America, LabCorp
Classification: Likely pathogenic for Autosomal recessive polycystic kidney disease. Last evaluated: 2017-12-11. Review status: criteria provided, single submitter. Criteria: LabCorp Variant Classification Summary - May 2015. Collection method: clinical testing. Allele origin: germline.
Comment: Variant summary: The PKHD1 c.10350C>A (p.Cys3450X) variant results in a premature termination codon, predicted to cause a truncated or absent PKHD1 protein due to nonsense mediated decay, which are commonly known mechanisms for disease. Truncations downstream of this position have been classified as pathogenic by our laboratory (e.g. c.10637delT, p.Val3546fsX22; c.11314C>T, p.Arg3772X). One in silico tool predicts a damaging outcome for this variant. This variant is absent in 245638 control chromosomes. The variant of interest has not, to our knowledge, been reported in affected individuals via publications and/or reputable databases/clinical diagnostic laboratories; nor evaluated for functional impact by in vivo/vitro studies. Taken together, this variant is classified as likely pathogenic.

Literature cited by the submitters: PubMed 19940839 (cited by Labcorp Genetics (formerly Invitae), Labcorp).

NM_138694.4(PKHD1):c.10350C>A (p.Cys3450Ter)

Gene: PKHD1 (PKHD1 ciliary IPT domain containing fibrocystin/polyductin; minus strand). Cytogenetic location: 6p12.3.
Variant type: single nucleotide variant.
Coding change: c.10350C>A on transcript NM_138694.4 (MANE Select); coding-DNA position 10350, C replaced by A.
Protein change: p.Cys3450Ter; replaces cysteine 3450 with a stop codon.
Molecular consequence: nonsense.
Genome position (GRCh38, 1-based): chr6:51,659,776, G>T on the plus strand (C>A on the coding strand, the complement: PKHD1 is on the minus strand). VCF-style: chr6-51659776-G-T. GRCh37 (hg19) VCF-style: chr6-51524574-G-T.
Other names: short protein forms C3450*.
Identifiers: ClinVar variation 633355 (VCV000633355.10), dbSNP rs765652131, ClinGen allele CA364436139.